The following is an entry in ClinVar:

GRCh38/hg38 22q11.1-11.21(chr22:16916608-20324240)x1

Genes: FAM230J (family with sequence similarity 230 member J; minus strand), FAM246B (family with sequence similarity 246 member B; plus strand), FAM246C (family with sequence similarity 246 member C (gene/pseudogene); plus strand), FAM247B (family with sequence similarity 247 member B; minus strand), FAM247C (family with sequence similarity 247 member C; minus strand) and 225 more. Cytogenetic location: 22q11.1-11.21.
Variant type: copy number loss.
Change: copy number 1 (one copy instead of two) of chr22:16,916,608-20,324,240 (3.41 Mb, GRCh38 coordinates, 1-based), cytogenetic band 22q11.1-11.21.
Identifiers: ClinVar variation 57203 (VCV000057203.1).

ClinVar aggregate classification (germline): Pathogenic (1 of 4 stars; one submission).

Submission:

ISCA site 17
Classification: Pathogenic. Last evaluated: 2011-08-12. Review status: criteria provided, single submitter. Criteria: Kaminsky et al. (Genet Med. 2011). Collection method: clinical testing. Allele origin: unknown. Affected: yes. Observed: 1 variant allele.
Comment: Copy number variation identified through the course of routine clinical cytogenomic testing in postnatal populations. Clinical assertions have been curated as described in Kaminsky et al. 2011.